The following is an entry in ClinVar:

NM_000237.3(LPL):c.1127_1137del (p.Ile376fs)

Gene: LPL (lipoprotein lipase; plus strand). Cytogenetic location: 8p21.3.
Variant type: Deletion.
Coding change: c.1127_1137del on transcript NM_000237.3 (MANE Select); coding-DNA positions 1127 to 1137, 11 bases deleted (TCCCATTCACT).
Protein change: p.Ile376fs; shifts the reading frame from isoleucine 376.
Molecular consequence: frameshift variant.
Genome position (GRCh38, 1-based): chr8:19,959,368-19,959,378, TCCCATTCACT deleted. VCF-style (leftmost placement, unchanged base first): chr8-19959367-ATCCCATTCACT-A. GRCh37 (hg19) VCF-style: chr8-19816878-ATCCCATTCACT-A.
Other names: short protein forms I376fs.
Identifiers: ClinVar variation 3068354 (VCV003068354.1), dbSNP rs2540109673, ClinGen allele CA2825001586.
Genomic context (GRCh38, chr8:19,959,367, plus strand): 5'-ACCCATACCAATCAGGCCTTTGAGATTTCTCTGTATGGCACCGTGGCCGAGAGTGAGAAC[ATCCCATTCACT>A]CTGTGAGTAGCACAGGGGGGCGGTCATCATGGCACCAGTCCCTCTCCTGCCATAACCCTT-3'

ClinVar aggregate classification (germline): Pathogenic (1 of 4 stars; one submission).

Conditions:
Hyperlipidemia, familial combined, LPL related (FCHL3). Also called: Hyperapobetalipoproteinemia. Identifiers: MedGen C0020474, MONDO:0007759, OMIM 144250, HP:0008158.

Submission:

MVZ Medizinische Genetik Mainz
Classification: Pathogenic for Hyperlipidemia, familial combined, LPL related. Last evaluated: 2021-08-03. Review status: criteria provided, single submitter. Criteria: UK Practice Guidelines For Variant Classification V4 01 2020. Collection method: clinical testing. Allele origin: germline. Inheritance: Autosomal dominant inheritance. Affected: yes. Observed: 1 variant allele.
Comment: ACMG Criteria: PVS1, PM2_SUP, PP4